The following is an entry in ClinVar:

NM_025114.4(CEP290):c.1083C>A (p.Asp361Glu)

Gene: CEP290 (centrosomal protein 290; minus strand). Cytogenetic location: 12q21.32.
Variant type: single nucleotide variant.
Coding change: c.1083C>A on transcript NM_025114.4 (MANE Select); coding-DNA position 1083, C replaced by A.
Protein change: p.Asp361Glu; replaces aspartic acid 361 with glutamic acid.
Molecular consequence: missense variant.
Genome position (GRCh38, 1-based): chr12:88,125,352, G>T on the plus strand (C>A on the coding strand, the complement: CEP290 is on the minus strand). VCF-style: chr12-88125352-G-T. GRCh37 (hg19) VCF-style: chr12-88519129-G-T.
Other names: short protein forms D361E.
Identifiers: ClinVar variation 2010994 (VCV002010994.4), dbSNP rs2039666201, ClinGen allele CA385981510.
Genomic context (GRCh38, chr12:88,125,352, plus strand): 5'-ATTCTTTTCCATTTCTTTTGTATATTGTTCTACTTGTTCGGTGAGCATCTTAATTTGACT[G>T]TCTCGTTCCTGTATACCCTATAAAATATTTTAAAACAATATATATCCCTTCATGAATATT-3'
Protein context (NP_079390.3, residues 351-371): MALQQGIQER[Asp361Glu]SQIKMLTEQV

ClinVar aggregate classification (germline): Uncertain significance (1 of 4 stars; one submission).

Conditions:
Joubert syndrome. Also called: CEREBELLOPARENCHYMAL DISORDER IV; JOUBERT-BOLTSHAUSER SYNDROME; Familial aplasia of the vermis. Identifiers: Orphanet 475, MedGen C5979921, MONDO:0018772.
Meckel-Gruber syndrome. Also called: DYSENCEPHALIA SPLANCHNOCYSTICA; GRUBER SYNDROME; Dysencephalia splachnocystica. Identifiers: Orphanet 564, MedGen C0265215, MONDO:0018921.
Nephronophthisis. Also called: Juvenile Nephronophthisis. Identifiers: Orphanet 655, MedGen C0687120, MONDO:0019005, HP:0000090.

Allele frequency attached by ClinVar (database versions not stated): gnomAD exomes below 0.00001; gnomAD 0.00001.
gnomAD v4.1: 2 of 1,313,938 alleles (0.00015%); highest among the groups gnomAD compares: Admixed American, 0.0031%; no homozygotes.

Submission:

Labcorp Genetics (formerly Invitae), Labcorp
Classification: Uncertain significance for Joubert syndrome; Meckel-Gruber syndrome; Nephronophthisis. Last evaluated: 2022-11-06. Review status: criteria provided, single submitter. Criteria: Invitae Variant Classification Sherloc (09022015). Collection method: clinical testing. Allele origin: germline.
Comment: In summary, the available evidence is currently insufficient to determine the role of this variant in disease. Therefore, it has been classified as a Variant of Uncertain Significance. Advanced modeling of protein sequence and biophysical properties (such as structural, functional, and spatial information, amino acid conservation, physicochemical variation, residue mobility, and thermodynamic stability) performed at Invitae indicates that this missense variant is not expected to disrupt CEP290 protein function. This variant has not been reported in the literature in individuals affected with CEP290-related conditions. This variant is not present in population databases (gnomAD no frequency). This sequence change replaces aspartic acid, which is acidic and polar, with glutamic acid, which is acidic and polar, at codon 361 of the CEP290 protein (p.Asp361Glu).